The following is an entry in ClinVar:

NM_031935.3(HMCN1):c.12571G>A (p.Val4191Ile)

Gene: HMCN1 (hemicentin 1; plus strand). Cytogenetic location: 1q31.1.
Variant type: single nucleotide variant.
Coding change: c.12571G>A on transcript NM_031935.3 (MANE Select); coding-DNA position 12571, G replaced by A.
Protein change: p.Val4191Ile; replaces valine 4191 with isoleucine.
Molecular consequence: missense variant.
Genome position (GRCh38, 1-based): chr1:186,125,675, G>A. VCF-style: chr1-186125675-G-A. GRCh37 (hg19) VCF-style: chr1-186094807-G-A.
Other names: short protein forms V4191I.
Identifiers: ClinVar variation 780288 (VCV000780288.14), dbSNP rs141096306, ClinGen allele CA1294401.

ClinVar aggregate classification (germline): Benign/Likely benign. Review status: criteria provided, multiple submitters, no conflicts (2 of 4 stars). 4 submissions from 4 submitters: Benign (3); Likely benign (1). Last evaluated 2026-02-03.

Conditions:
Age related macular degeneration 1 (ARMD1). Also called: MACULOPATHY, AGE-RELATED, 1. Identifiers: MedGen C1864205, MONDO:0011285, OMIM 603075.

Allele frequency attached by ClinVar (database versions not stated): gnomAD exomes 0.00036 and 0.00086; ExAC 0.00109; 1000 Genomes Project 0.00319; gnomAD 0.00342 and 0.00371; 1000 Genomes Project 30x 0.00344; TOPMed 0.00428; ESP Exome Variant Server 0.00454.
gnomAD v4.1: 1,063 of 1,612,964 alleles (0.066%); highest among the groups gnomAD compares: African/African-American, 1.2%; 8 homozygotes.

Submissions (4):

Labcorp Genetics (formerly Invitae), Labcorp
Classification: Benign. Last evaluated: 2026-02-03. Review status: criteria provided, single submitter. Criteria: Invitae Variant Classification Sherloc (09022015). Collection method: clinical testing. Allele origin: germline.

Blueprint Genetics
Classification: Likely benign. Last evaluated: 2024-10-24. Review status: criteria provided, single submitter. Criteria: ACMG Guidelines, 2015. Collection method: clinical testing. Allele origin: germline.

Genome-Nilou Lab
Classification: Benign for Age related macular degeneration 1. Last evaluated: 2023-04-11. Review status: criteria provided, single submitter. Criteria: ACMG Guidelines, 2015. Collection method: clinical testing. Allele origin: germline. Affected: no.

Illumina Laboratory Services, Illumina
Classification: Benign for Age related macular degeneration 1. Last evaluated: 2018-01-12. Review status: criteria provided, single submitter. Criteria: ICSL Variant Classification Criteria 13 December 2019. Collection method: clinical testing. Allele origin: germline.
Comment: This variant was observed in the ICSL laboratory as part of a predisposition screen in an ostensibly healthy population. It had not been previously curated by ICSL or reported in the Human Gene Mutation Database (HGMD: prior to June 1st, 2018), and was therefore a candidate for classification through an automated scoring system. Utilizing variant allele frequency, disease prevalence and penetrance estimates, and inheritance mode, an automated score was calculated to assess if this variant is too frequent to cause the disease. Based on the score and internal cut-off values, a variant classified as benign is not then subjected to further curation. The score for this variant resulted in a classification of benign for this disease.